The following is an entry in ClinVar:

ClinVar aggregate classification (germline): Conflicting classifications of pathogenicity. Review status: criteria provided, conflicting classifications (1 of 4 stars). 2 submissions from 2 submitters: Uncertain significance (1); Likely benign (1). Last evaluated 2025-09-01.

gnomAD v4.1: 2 of 1,211,761 alleles (0.00017%); highest among the groups gnomAD compares: Non-Finnish European, 0.00022%; no homozygotes.

Submissions (2):

CeGaT Center for Human Genetics Tuebingen
Classification: Likely benign. Last evaluated: 2025-09-01. Review status: criteria provided, single submitter. Criteria: CeGaT Center For Human Genetics Tuebingen Variant Classification Criteria Version 2. Collection method: clinical testing. Allele origin: germline. Affected: yes. Observed: 1 variant allele.
Comment: AFF2: BP4

Blueprint Genetics
Classification: Uncertain significance. Last evaluated: 2022-03-01. Review status: criteria provided, single submitter. Criteria: ACMG Guidelines, 2015. Collection method: clinical testing. Allele origin: germline.

NM_002025.4(AFF2):c.1894A>G (p.Lys632Glu)

Gene: AFF2 (ALF transcription elongation factor 2; plus strand). Cytogenetic location: Xq28.
Variant type: single nucleotide variant.
Coding change: c.1894A>G on transcript NM_002025.4 (MANE Select); coding-DNA position 1894, A replaced by G.
Protein change: p.Lys632Glu; replaces lysine 632 with glutamic acid.
Molecular consequence: missense variant.
Genome position (GRCh38, 1-based): chrX:148,955,939, A>G. VCF-style: chrX-148955939-A-G. GRCh37 (hg19) VCF-style: chrX-148037469-A-G.
Other names: c.817A>G, p.Lys273Glu (NM_001170628.1); c.1795A>G, p.Lys599Glu (NM_001169122.2); c.1864A>G, p.Lys622Glu (NM_001169123.2); c.1789A>G, p.Lys597Glu (NM_001169124.2); c.1777A>G, p.Lys593Glu (NM_001169125.2); short protein forms K273E, K593E, K597E, K599E, K622E, K632E.
Identifiers: ClinVar variation 4281052 (VCV004281052.8).